The following is an entry in ClinVar:

NM_018426.3(TMEM63B):c.1269dup (p.Ser424fs)

Gene: TMEM63B (transmembrane protein 63B; plus strand). Cytogenetic location: 6p21.1.
Variant type: Duplication.
Coding change: c.1269dup on transcript NM_018426.3 (MANE Select); coding-DNA position 1269, one base duplicated (C; older notation c.1269dupC).
Protein change: p.Ser424fs; shifts the reading frame from serine 424.
Molecular consequence: frameshift variant.
Genome position (GRCh38, 1-based): chr6:44,148,801, C duplicated. VCF-style (leftmost placement, unchanged base first): chr6-44148800-T-TC. GRCh37 (hg19) VCF-style: chr6-44116537-T-TC.
Other names: c.1269dup, p.Ser424fs (NM_001318792.1); c.1269dupC (NM_001318792.1); short protein forms S424fs.
Identifiers: ClinVar variation 4991069 (VCV004991069.1).

ClinVar aggregate classification (germline): Uncertain significance (1 of 4 stars; one submission).

Conditions:
TMEM63B-related condition.

Submission:

PreventionGenetics, part of Exact Sciences
Classification: Uncertain significance for TMEM63B-related condition. Last evaluated: 2025-11-01. Review status: criteria provided, single submitter. Criteria: ACMG Guidelines, 2015. Collection method: clinical testing. Allele origin: germline.
Comment: The TMEM63B c.1269dupC variant is predicted to result in a frameshift and premature protein termination (p.Ser424Leufs*79). To our knowledge, this variant has not been reported in the literature or in a large population database (gnomAD), indicating this variant is rare. Loss of function is not an established mechanism of TMEM63B-related disease. At this time, the clinical significance of this variant is uncertain due to the absence of conclusive functional and genetic evidence.